The following is an entry in ClinVar:

ClinVar aggregate classification (germline): Uncertain significance. Review status: criteria provided, multiple submitters, no conflicts (2 of 4 stars). 2 submissions from 2 submitters: Uncertain significance (2). Last evaluated 2025-12-25.

gnomAD v4.1: 4 of 1,612,366 alleles (0.00025%); highest among the groups gnomAD compares: South Asian, 0.0011%; no homozygotes.

Submissions (2):

Labcorp Genetics (formerly Invitae), Labcorp
Classification: Uncertain significance. Last evaluated: 2025-12-25. Review status: criteria provided, single submitter. Criteria: Invitae Variant Classification Sherloc (09022015). Collection method: clinical testing. Allele origin: germline.
Comment: This sequence change replaces arginine, which is basic and polar, with cysteine, which is neutral and slightly polar, at codon 1915 of the NOTCH3 protein (p.Arg1915Cys). This variant is present in population databases (rs752426825, gnomAD 0.0009%). This variant has not been reported in the literature in individuals affected with NOTCH3-related conditions. ClinVar contains an entry for this variant (Variation ID: 4085577). Invitae Evidence Modeling of protein sequence and biophysical properties (such as structural, functional, and spatial information, amino acid conservation, physicochemical variation, residue mobility, and thermodynamic stability) has been performed for this missense variant. However, the output from this modeling did not meet the statistical confidence thresholds required to predict the impact of this variant on NOTCH3 protein function. In summary, the available evidence is currently insufficient to determine the role of this variant in disease. Therefore, it has been classified as a Variant of Uncertain Significance.

CeGaT Center for Human Genetics Tuebingen
Classification: Uncertain significance. Last evaluated: 2025-08-01. Review status: criteria provided, single submitter. Criteria: CeGaT Center For Human Genetics Tuebingen Variant Classification Criteria Version 2. Collection method: clinical testing. Allele origin: germline. Affected: yes. Observed: 1 variant allele.

NM_000435.3(NOTCH3):c.5743C>T (p.Arg1915Cys)

Gene: NOTCH3 (notch receptor 3; minus strand). Cytogenetic location: 19p13.12.
Variant type: single nucleotide variant.
Coding change: c.5743C>T on transcript NM_000435.3 (MANE Select); coding-DNA position 5743, C replaced by T.
Protein change: p.Arg1915Cys; replaces arginine 1915 with cysteine.
Molecular consequence: missense variant.
Genome position (GRCh38, 1-based): chr19:15,165,440, G>A on the plus strand (C>T on the coding strand, the complement: NOTCH3 is on the minus strand). VCF-style: chr19-15165440-G-A. GRCh37 (hg19) VCF-style: chr19-15276251-G-A.
Other names: short protein forms R1915C.
Identifiers: ClinVar variation 4085577 (VCV004085577.9).